The following is an entry in ClinVar:

NM_001005242.3(PKP2):c.1834A>T (p.Lys612Ter)

Gene: PKP2 (plakophilin 2; minus strand). Cytogenetic location: 12p11.21.
Variant type: single nucleotide variant.
Coding change: c.1834A>T on transcript NM_001005242.3 (MANE Select); coding-DNA position 1834, A replaced by T.
Protein change: p.Lys612Ter; replaces lysine 612 with a stop codon.
Molecular consequence: nonsense.
Genome position (GRCh38, 1-based): chr12:32,822,472, T>A on the plus strand (A>T on the coding strand, the complement: PKP2 is on the minus strand). VCF-style: chr12-32822472-T-A. GRCh37 (hg19) VCF-style: chr12-32975406-T-A.
Other names: c.1834A>T (NM_001005242.2); c.1966A>T, p.Lys656Ter (NM_004572.4); short protein forms K656*, K612*.
Identifiers: ClinVar variation 1459571 (VCV001459571.8), dbSNP rs1158333072, ClinGen allele CA384362575.
Genomic context (GRCh38, chr12:32,822,472, plus strand): 5'-CACACTCTCTCTCATTCTCTCCCTTTCTCATTCTTTCAAAAACTTCCCAATATACCTCTT[T>A]TACTTTCCTGCTTCGACTGCCAAAACATCCAATACTTTTGTTGTTGTCAGTCTGGATATT-3'

ClinVar aggregate classification (germline): Pathogenic/Likely pathogenic. Review status: criteria provided, multiple submitters, no conflicts (2 of 4 stars). 3 submissions from 3 submitters: Pathogenic (1); Likely pathogenic (2). Last evaluated 2025-03-19.

Conditions:
Cardiovascular phenotype. Identifiers: MedGen CN230736.
PKP2-related disorder. Also called: PKP2-related condition.
Arrhythmogenic right ventricular dysplasia 9 (ARVD9). Also called: ARRHYTHMOGENIC RIGHT VENTRICULAR DYSPLASIA, FAMILIAL, 9; Arrhythmogenic Right Ventricular Dysplasia/Cardiomyopathy 9. Identifiers: MedGen C1836906, MONDO:0012180, OMIM 609040.

Allele frequency attached by ClinVar (database versions not stated): gnomAD exomes 0.00001.
gnomAD v4.1: 2 of 1,613,896 alleles (0.00012%); highest among the groups gnomAD compares: Admixed American, 0.0033%; no homozygotes.

Submissions (3):

Molecular Diagnostic Laboratory for Inherited Cardiovascular Disease, Montreal Heart Institute
Classification: Likely pathogenic for Cardiovascular phenotype. Last evaluated: 2025-03-19. Review status: criteria provided, single submitter. Criteria: ACMG Guidelines, 2015. Collection method: clinical testing. Allele origin: germline. Affected: yes.
Comment: PVS1, PM2

Blueprint Genetics
Classification: Likely pathogenic for PKP2-related disorders. Last evaluated: 2022-10-14. Review status: criteria provided, single submitter. Criteria: ACMG Guidelines, 2015. Collection method: clinical testing. Allele origin: germline. Affected: yes. Observed: 2 variant alleles.

Labcorp Genetics (formerly Invitae), Labcorp
Classification: Pathogenic for Arrhythmogenic right ventricular dysplasia 9. Last evaluated: 2021-01-28. Review status: criteria provided, single submitter. Criteria: Invitae Variant Classification Sherloc (09022015). Collection method: clinical testing. Allele origin: germline.
Comment: For these reasons, this variant has been classified as Pathogenic. This variant has not been reported in the literature in individuals with PKP2-related conditions. This variant is not present in population databases (ExAC no frequency). This sequence change creates a premature translational stop signal (p.Lys656*) in the PKP2 gene. It is expected to result in an absent or disrupted protein product. Loss-of-function variants in PKP2 are known to be pathogenic (PMID: 15489853, 23911551).

Literature cited by the submitters: PubMed 15489853 (cited by Labcorp Genetics (formerly Invitae), Labcorp); PubMed 23911551 (cited by Labcorp Genetics (formerly Invitae), Labcorp).